The following is an entry in ClinVar:

ClinVar aggregate classification (germline): Likely benign. Review status: criteria provided, multiple submitters, no conflicts (2 of 4 stars). 4 submissions from 4 submitters: Likely benign (4). Last evaluated 2025-09-02.

Conditions:
Mitochondrial complex IV deficiency, nuclear type 12. Also called: Mitochondrial complex 4 deficiency, nuclear type 12. Identifiers: MedGen C5436695, MONDO:0033646, OMIM 619055.

Submissions (4):

Labcorp Genetics (formerly Invitae), Labcorp
Classification: Likely benign. Last evaluated: 2025-09-02. Review status: criteria provided, single submitter. Criteria: Invitae Variant Classification Sherloc (09022015). Collection method: clinical testing. Allele origin: germline.

Blueprint Genetics
Classification: Likely benign. Last evaluated: 2024-10-18. Review status: criteria provided, single submitter. Criteria: ACMG Guidelines, 2015. Collection method: clinical testing. Allele origin: germline.

Fulgent Genetics
Classification: Likely benign for Mitochondrial complex IV deficiency, nuclear type 12. Last evaluated: 2021-09-30. Review status: criteria provided, single submitter. Criteria: ACMG Guidelines, 2015. Collection method: clinical testing. Allele origin: unknown.

GeneDx
Classification: Likely benign. Last evaluated: 2017-03-28. Review status: criteria provided, single submitter. Criteria: GeneDx Variant Classification (06012015). Collection method: clinical testing. Allele origin: germline. Affected: yes.
Comment: This variant is considered likely benign or benign based on one or more of the following criteria: it is a conservative change, it occurs at a poorly conserved position in the protein, it is predicted to be benign by multiple in silico algorithms, and/or has population frequency not consistent with disease.

NM_001171155.2(PET100):c.139-11_139-9del

Genes: PET100 (PET100 cytochrome c oxidase chaperone; plus strand), STXBP2 (syntaxin binding protein 2; plus strand). Cytogenetic location: 19p13.2.
Variant type: Deletion.
Coding change: c.139-11_139-9del on transcript NM_001171155.2 (MANE Select); 11 bases into the intron before coding-DNA position 139 through 9 bases into the intron before coding-DNA position 139, 3 bases deleted (TCC; older notation c.139-11_139-9delTCC).
Molecular consequence: intron variant.
Genome position (GRCh38, 1-based): chr19:7,631,462-7,631,464, TCC deleted; deleting any 3 consecutive bases within chr19:7,631,461-7,631,464 gives the same sequence; the c. name uses the placement nearest the transcript's 3' end. VCF-style (leftmost placement, unchanged base first): chr19-7631460-TCTC-T. GRCh37 (hg19) VCF-style: chr19-7696346-TCTC-T.
Other names: c.139-11_139-9delTCC (NM_001171155.1).
Identifiers: ClinVar variation 517815 (VCV000517815.11), dbSNP rs748611501, ClinGen allele CA9142863.